The following is an entry in ClinVar:

NM_000548.5(TSC2):c.*7G>C

Gene: TSC2 (TSC complex subunit 2; plus strand). Cytogenetic location: 16p13.3.
Variant type: single nucleotide variant.
Coding change: c.*7G>C on transcript NM_000548.5 (MANE Select); 7 bases downstream of the stop codon, G replaced by C.
Molecular consequence: 3 prime UTR variant. On other transcripts: non-coding transcript variant (5).
Genome position (GRCh38, 1-based): chr16:2,088,617, G>C. VCF-style: chr16-2088617-G-C. GRCh37 (hg19) VCF-style: chr16-2138618-G-C.
Other names: c.*7G>C (NM_001077183.3, NM_001114382.3, NM_001318827.2 and 39 more transcripts).
Identifiers: ClinVar variation 4071206 (VCV004071206.1).
Genomic context (GRCh38, chr16:2,088,617, plus strand): 5'-GGCCAGCGGAAGCGCCTCATCTCCTCGGTGGAGGACTTCACCGAGTTTGTGTGAGGCCGG[G>C]GCCCTCCCTCCTGCACTGGCCTTGGACGGTATTGCCTGTCAGTGAAATAAATAAAGTCCT-3'

ClinVar aggregate classification (germline): Benign (1 of 4 stars; one submission).

Conditions:
Tuberous sclerosis 2 (TSC2). Identifiers: Orphanet 805, MedGen C1860707, MONDO:0013199, OMIM 613254.

Submission:

Myriad Genetics, Inc.
Classification: Benign for Tuberous sclerosis 2. Last evaluated: 2025-06-09. Review status: criteria provided, single submitter. Criteria: Myriad Autosomal Dominant, Autosomal Recessive and X-Linked Classification Criteria (2023). Collection method: clinical testing. Allele origin: unknown.
Comment: This variant is considered benign. This variant occurs in the non-coding 3' untranslated region of the gene, and is not expected to impact protein function.